The following is an entry in ClinVar:

ClinVar aggregate classification (germline): Pathogenic. Review status: criteria provided, multiple submitters, no conflicts (2 of 4 stars). 2 submissions from 2 submitters: Pathogenic (2). Last evaluated 2025-02-06.

Conditions:
Multiple congenital exostosis (EXT). Also called: Multiple osteochondromas; Hereditary multiple osteochondromas; MULTIPLE CARTILAGINOUS EXOSTOSES; Multiple exostoses; Hereditary multiple exostoses; Hereditary multiple exostosis. Identifiers: Orphanet 321, MedGen C0015306, MONDO:0005508, HP:0002762.
Exostoses, multiple, type 1 (EXT1). Also called: Hereditary Multiple Osteochondromatosis, Type I; EXOSTOSES, MULTIPLE, TYPE I. Identifiers: MedGen CN263289, MONDO:0007585, OMIM 133700.

Submissions (2):

Labcorp Genetics (formerly Invitae), Labcorp
Classification: Pathogenic for Multiple congenital exostosis. Last evaluated: 2025-02-06. Review status: criteria provided, single submitter. Criteria: Invitae Variant Classification Sherloc (09022015). Collection method: clinical testing. Allele origin: germline.
Comment: This sequence change creates a premature translational stop signal (p.Glu129*) in the EXT1 gene. It is expected to result in an absent or disrupted protein product. Loss-of-function variants in EXT1 are known to be pathogenic (PMID: 10679937, 11391482, 19810120). This variant is not present in population databases (gnomAD no frequency). This premature translational stop signal has been observed in individual(s) with multiple osteochondromas (PMID: 29529714). ClinVar contains an entry for this variant (Variation ID: 2152051). For these reasons, this variant has been classified as Pathogenic.

3billion
Classification: Pathogenic for Exostoses, multiple, type 1. Last evaluated: 2024-04-03. Review status: criteria provided, single submitter. Criteria: ACMG Guidelines, 2015. Collection method: clinical testing. Allele origin: germline. Affected: yes.
Comment: The variant is not observed in the gnomAD v4.0.0 dataset. Predicted Consequence/Location: Stop-gained (nonsense): predicted to result in a loss or disruption of normal protein function through nonsense-mediated decay (NMD) or protein truncation. Multiple pathogenic variants are reported downstream of the variant. The variant has been reported to be associated with EXT1 related disorder (ClinVar ID: VCV002152051 /PMID: 29529714). Therefore, this variant is classified as Pathogenic according to the recommendation of ACMG/AMP guideline.

Literature cited by the submitters: PubMed 10679937 (cited by Labcorp Genetics (formerly Invitae), Labcorp); PubMed 11391482 (cited by Labcorp Genetics (formerly Invitae), Labcorp); PubMed 19810120 (cited by Labcorp Genetics (formerly Invitae), Labcorp); PubMed 29529714 (cited by Labcorp Genetics (formerly Invitae), Labcorp and 3billion).

NM_000127.3(EXT1):c.385G>T (p.Glu129Ter)

Gene: EXT1 (exostosin glycosyltransferase 1; minus strand). Cytogenetic location: 8q24.11.
Variant type: single nucleotide variant.
Coding change: c.385G>T on transcript NM_000127.3 (MANE Select); coding-DNA position 385, G replaced by T.
Protein change: p.Glu129Ter; replaces glutamic acid 129 with a stop codon.
Molecular consequence: nonsense.
Genome position (GRCh38, 1-based): chr8:118,110,662, C>A on the plus strand (G>T on the coding strand, the complement: EXT1 is on the minus strand). VCF-style: chr8-118110662-C-A. GRCh37 (hg19) VCF-style: chr8-119122901-C-A.
Other names: short protein forms E129*.
Identifiers: ClinVar variation 2152051 (VCV002152051.5), dbSNP rs775712594, ClinGen allele CA371915970.